The following is an entry in ClinVar:

ClinVar aggregate classification (germline): Conflicting classifications of pathogenicity. Review status: criteria provided, conflicting classifications (1 of 4 stars). 14 submissions from 11 submitters: Likely pathogenic (2); Uncertain significance (10). 2 of the submissions do not count toward it. Last evaluated 2026-02-02.

Conditions:
Myosin storage myopathy (CMYO7A). Also called: MYOPATHY, HYALINE BODY, AUTOSOMAL DOMINANT; Scapuloperoneal myopathy, MYH7-related; MYH7-related late-onset scapuloperoneal muscular dystrophy; Congenital myopathy 7A, myosin storage, autosomal dominant; MYOPATHY WITH LYSIS OF TYPE I MYOFIBRILS; SCAPULOPERONEAL MUSCULAR DYSTROPHY. Identifiers: Orphanet 437572, Orphanet 636965, MedGen C1842160, MONDO:0008409, OMIM 608358.
MYH7-related disorder. Also called: MYH7-related condition; MYH7-related disease; MYH7-related disorders.
Cardiovascular phenotype. Identifiers: MedGen CN230736.
Cardiomyopathy (CMYO). Also called: Cardiomyopathies. Identifiers: Orphanet 167848, MedGen C0878544, MONDO:0004994, HP:0001638. Inheritance: Various modes of inheritance.
Hypertrophic cardiomyopathy 1 (CMH1). Also called: Familial hypertrophic cardiomyopathy 1; MYH7-Related Familial Hypertrophic Cardiomyopathy. Identifiers: MedGen C3495498, MONDO:0008647, OMIM 192600.
MYH7-related skeletal myopathy. Also called: Myopathy, distal, 1; MYOPATHY, DISTAL, EARLY-ONSET, AUTOSOMAL DOMINANT; MYOPATHY, LATE DISTAL HEREDITARY; Laing distal myopathy; Laing early-onset distal myopathy. Identifiers: Orphanet 59135, MedGen C4552004, MONDO:0008050, OMIM 160500.
Dilated cardiomyopathy 1S (CMD1S). Identifiers: Orphanet 154, Orphanet 54260, MedGen C1834481, MONDO:0013262, OMIM 613426.
Hypertrophic cardiomyopathy. Also called: HYPERTROPHIC MYOCARDIOPATHY. Identifiers: Orphanet 217569, MedGen C0007194, MeSH D002312, MONDO:0005045, HP:0001639.

gnomAD v4.1: 4 of 1,613,404 alleles (0.00025%); highest among the groups gnomAD compares: South Asian, 0.0022%; no homozygotes.

Submissions (14):

Labcorp Genetics (formerly Invitae), Labcorp
Classification: Uncertain significance for Hypertrophic cardiomyopathy. Last evaluated: 2026-02-02. Review status: criteria provided, single submitter. Criteria: Invitae Variant Classification Sherloc (09022015). Collection method: clinical testing. Allele origin: germline.
Comment: This sequence change replaces glutamic acid, which is acidic and polar, with lysine, which is basic and polar, at codon 1387 of the MYH7 protein (p.Glu1387Lys). This variant is present in population databases (rs730880792, gnomAD 0.003%). This missense change has been observed in individual(s) with hypertrophic cardiomyopathy or dilated cardiomyopathy (PMID: 27247418, 29121657, 31638223). ClinVar contains an entry for this variant (Variation ID: 181244). Invitae Evidence Modeling of protein sequence and biophysical properties (such as structural, functional, and spatial information, amino acid conservation, physicochemical variation, residue mobility, and thermodynamic stability) indicates that this missense variant is expected to disrupt MYH7 protein function with a positive predictive value of 95%. In summary, the available evidence is currently insufficient to determine the role of this variant in disease. Therefore, it has been classified as a Variant of Uncertain Significance.

Molecular Diagnostic Laboratory for Inherited Cardiovascular Disease, Montreal Heart Institute
Classification: Likely pathogenic for Cardiovascular phenotype. Last evaluated: 2025-06-27. Review status: criteria provided, single submitter. Criteria: ACMG Guidelines, 2015. Collection method: clinical testing. Allele origin: germline. Affected: yes.
Comment: PM2, PP1_mod, PS4_supp, PP3

Institute of Medical Genetics and Applied Genomics, University Hospital Tübingen
Classification: Uncertain significance for Hypertrophic cardiomyopathy 1. Last evaluated: 2024-06-25. Review status: criteria provided, single submitter. Criteria: ACMG Guidelines, 2015. Collection method: clinical testing. Allele origin: germline. Inheritance: Autosomal dominant inheritance. Affected: yes.

Ambry Genetics
Classification: Uncertain significance for Cardiovascular phenotype. Last evaluated: 2024-06-20. Review status: criteria provided, single submitter. Criteria: Ambry Variant Classification Scheme 2023. Collection method: clinical testing. Allele origin: germline.
Comment: The p.E1387K variant (also known as c.4159G>A), located in coding exon 28 of the MYH7 gene, results from a G to A substitution at nucleotide position 4159. The glutamic acid at codon 1387 is replaced by lysine, an amino acid with similar properties. This aleratation has been detected in hypertrophic cardiomyopathy (HCM) cohorts; however, details were limited (Homburger JR et al. Proc. Natl. Acad. Sci. U.S.A., 2016 06;113:6701-6; Viswanathan SK et al. PLoS One. 2017 Nov;12(11):e0187948). This variant co-occurred with a second MYH7 variant in a family with HCM (Wang B et al. Mol Med Rep. 2019 Dec;20(6):5229-5238). Another alteration affecting the same amino acid (p.E1387Q, c.4159G>C) has also been reported in association with HCM (O'Mahony C et al. Circ Arrhythm Electrophysiol, 2016 Jun;9). This amino acid position is highly conserved in available vertebrate species. In addition, this alteration is predicted to be deleterious by in silico analysis. Since supporting evidence is limited at this time, the clinical significance of this alteration remains unclear.

Blueprint Genetics
Classification: Likely pathogenic for MYH7-related disorders. Last evaluated: 2024-02-13. Review status: criteria provided, single submitter. Criteria: ACMG Guidelines, 2015. Collection method: clinical testing. Allele origin: germline. Affected: yes. Observed: 3 variant alleles.

GeneDx
Classification: Uncertain significance. Last evaluated: 2023-10-17. Review status: criteria provided, single submitter. Criteria: GeneDx Variant Classification Process June 2021. Collection method: clinical testing. Allele origin: germline. Affected: yes.
Comment: Identified in a family with HCM who also harbored c.(A934V) in cis (Wang et al., 2019); Not observed at significant frequency in large population cohorts (gnomAD); In silico analysis supports that this missense variant has a deleterious effect on protein structure/function; This variant is associated with the following publications: (PMID: 28687478, 27247418, 21310275, 29121657, 34542152, 31638223)

CHEO Genetics Diagnostic Laboratory, Children's Hospital of Eastern Ontario
Classification: Uncertain significance for Cardiomyopathy. Last evaluated: 2023-04-28. Review status: criteria provided, single submitter. Criteria: ACMG Guidelines, 2015. Collection method: clinical testing. Allele origin: germline.

Illumina Laboratory Services, Illumina
Classification: Uncertain significance for Dilated cardiomyopathy 1S. Last evaluated: 2017-04-27. Review status: criteria provided, single submitter. Criteria: ICSL Variant Classification Criteria 13 December 2019. Collection method: clinical testing. Allele origin: germline.

Illumina Laboratory Services, Illumina
Classification: Uncertain significance for Myosin storage myopathy. Last evaluated: 2017-04-27. Review status: criteria provided, single submitter. Criteria: ICSL Variant Classification Criteria 13 December 2019. Collection method: clinical testing. Allele origin: germline.

Illumina Laboratory Services, Illumina
Classification: Uncertain significance for MYH7-related skeletal myopathy. Last evaluated: 2017-04-27. Review status: criteria provided, single submitter. Criteria: ICSL Variant Classification Criteria 13 December 2019. Collection method: clinical testing. Allele origin: germline.

Illumina Laboratory Services, Illumina
Classification: Uncertain significance for Hypertrophic cardiomyopathy 1. Last evaluated: 2017-04-27. Review status: criteria provided, single submitter. Criteria: ICSL Variant Classification Criteria 13 December 2019. Collection method: clinical testing. Allele origin: germline.

Stanford Center for Inherited Cardiovascular Disease, Stanford University
Classification: Uncertain significance. Last evaluated: 2014-07-07. Review status: criteria provided, single submitter. Criteria: ACMG Guidelines, 2015. Collection method: provider interpretation. Allele origin: germline.

Genome Diagnostics Laboratory, University Medical Center Utrecht
Classification: Likely pathogenic. Review status: no assertion criteria provided. Collection method: clinical testing. Allele origin: germline. Affected: yes. Study: VKGL Data-share Consensus. Not counted in ClinVar's aggregate classification.

Joint Genome Diagnostic Labs from Nijmegen and Maastricht, Radboudumc and MUMC+
Classification: Likely pathogenic. Review status: no assertion criteria provided. Collection method: clinical testing. Allele origin: germline. Affected: yes. Study: VKGL Data-share Consensus. Not counted in ClinVar's aggregate classification.

Literature cited by the submitters: PubMed 27247418 (cited by Labcorp Genetics (formerly Invitae), Labcorp and Ambry Genetics); PubMed 29121657 (cited by Labcorp Genetics (formerly Invitae), Labcorp and Ambry Genetics); PubMed 31638223 (cited by Labcorp Genetics (formerly Invitae), Labcorp and Ambry Genetics).

NM_000257.4(MYH7):c.4159G>A (p.Glu1387Lys)

Genes: MIR208B (microRNA 208b; minus strand), MYH7 (myosin heavy chain 7; minus strand). Cytogenetic location: 14q11.2.
Variant type: single nucleotide variant.
Coding change: c.4159G>A on transcript NM_000257.4 (MANE Select); coding-DNA position 4159, G replaced by A.
Protein change: p.Glu1387Lys; replaces glutamic acid 1387 with lysine.
Molecular consequence: missense variant.
Genome position (GRCh38, 1-based): chr14:23,418,220, C>T on the plus strand (G>A on the coding strand, the complement: MYH7 is on the minus strand). VCF-style: chr14-23418220-C-T. GRCh37 (hg19) VCF-style: chr14-23887429-C-T.
Other names: p.E1387K:GAG>AAG; c.4159G>A (LRG_384t1); short protein forms E1387K.
Identifiers: ClinVar variation 181244 (VCV000181244.31), dbSNP rs730880792, ClinGen allele CA014551.
Genomic context (GRCh38, chr14:23,418,220, plus strand): 5'-TCCTGCCTGCAAAGGGGCCTCAGCCAGAAGTCAGGCTGCTCAGAACTCACTTGGCCTCCT[C>T]GAGCTCCTCAGTCCGCTGAATGGCGTCCGTCTCATACTTGGTCCTCCACTGGGCCACCTC-3'
Protein context (NP_000248.2, residues 1377-1397): TDAIQRTEEL[Glu1387Lys]EAKKKLAQRL